The following is an entry in ClinVar:

ClinVar aggregate classification (germline): Pathogenic (1 of 4 stars; one submission).

Conditions:
Inborn genetic diseases. Identifiers: MedGen C0950123, MeSH D030342.

Submission:

Ambry Genetics
Classification: Pathogenic for Inborn genetic diseases. Last evaluated: 2026-01-02. Review status: criteria provided, single submitter. Criteria: Ambry Variant Classification Scheme 2023. Collection method: clinical testing. Allele origin: germline.
Comment: The c.412_413dupAA (p.N138Kfs*3) alteration, located in exon 3 (coding exon 3) of the TEK gene, consists of a duplication of AA at position 412, causing a translational frameshift with a predicted alternate stop codon after 3 amino acids. This alteration is expected to result in loss of function by premature protein truncation or nonsense-mediated mRNA decay. for TEK-related primary congenital glaucoma; however, it is unlikely to be causative of TEK-related multiple cutaneous and mucosal venous malformations. This variant was not reported in population-based cohorts in the Genome Aggregation Database (gnomAD). Based on the available evidence, this alteration is classified as pathogenic.

NM_000459.5(TEK):c.412_413dup (p.Asn138fs)

Gene: TEK (TEK receptor tyrosine kinase; plus strand). Cytogenetic location: 9p21.2.
Variant type: Duplication.
Coding change: c.412_413dup on transcript NM_000459.5 (MANE Select); coding-DNA positions 412 to 413, 2 bases duplicated (AA; older notation c.412_413dupAA).
Protein change: p.Asn138fs; shifts the reading frame from asparagine 138.
Molecular consequence: frameshift variant.
Genome position (GRCh38, 1-based): chr9:27,168,542-27,168,543, AA duplicated. VCF-style (leftmost placement, unchanged base first): chr9-27168541-T-TAA. GRCh37 (hg19) VCF-style: chr9-27168539-T-TAA.
Other names: c.412_413dup, p.Asn138fs (NM_001290077.2, NM_001375475.1, NM_001375476.1); c.100_101dup, p.Asn34fs (NM_001290078.2); short protein forms N138fs, N34fs.
Identifiers: ClinVar variation 4832968 (VCV004832968.1).